The following is an entry in ClinVar:

NM_007186.6(CEP250):c.4948A>C (p.Thr1650Pro)

Gene: CEP250 (centrosomal protein 250; plus strand). Cytogenetic location: 20q11.22.
Variant type: single nucleotide variant.
Coding change: c.4948A>C on transcript NM_007186.6 (MANE Select); coding-DNA position 4948, A replaced by C.
Protein change: p.Thr1650Pro; replaces threonine 1650 with proline.
Molecular consequence: missense variant.
Genome position (GRCh38, 1-based): chr20:35,503,317, A>C. VCF-style: chr20-35503317-A-C. GRCh37 (hg19) VCF-style: chr20-34091145-A-C.
Other names: c.3052A>C, p.Thr1018Pro (NM_001318219.1); short protein forms T1018P, T1650P.
Identifiers: ClinVar variation 2093631 (VCV002093631.4), dbSNP rs2516247622, ClinGen allele CA408750015.

ClinVar aggregate classification (germline): Uncertain significance (1 of 4 stars; one submission).

Submission:

Labcorp Genetics (formerly Invitae), Labcorp
Classification: Uncertain significance. Last evaluated: 2022-04-19. Review status: criteria provided, single submitter. Criteria: Invitae Variant Classification Sherloc (09022015). Collection method: clinical testing. Allele origin: germline.
Comment: In summary, the available evidence is currently insufficient to determine the role of this variant in disease. Therefore, it has been classified as a Variant of Uncertain Significance. Algorithms developed to predict the effect of missense changes on protein structure and function are either unavailable or do not agree on the potential impact of this missense change (SIFT: "Not Available"; PolyPhen-2: "Possibly Damaging"; Align-GVGD: "Not Available"). This variant has not been reported in the literature in individuals affected with CEP250-related conditions. This variant is not present in population databases (gnomAD no frequency). This sequence change replaces threonine, which is neutral and polar, with proline, which is neutral and non-polar, at codon 1650 of the CEP250 protein (p.Thr1650Pro).